The following is an entry in ClinVar:

NM_006231.4(POLE):c.2285G>A (p.Arg762Gln)

Gene: POLE (DNA polymerase epsilon, catalytic subunit; minus strand). Cytogenetic location: 12q24.33.
Variant type: single nucleotide variant.
Coding change: c.2285G>A on transcript NM_006231.4 (MANE Select); coding-DNA position 2285, G replaced by A.
Protein change: p.Arg762Gln; replaces arginine 762 with glutamine.
Molecular consequence: missense variant.
Genome position (GRCh38, 1-based): chr12:132,667,537, C>T on the plus strand (G>A on the coding strand, the complement: POLE is on the minus strand). VCF-style: chr12-132667537-C-T. GRCh37 (hg19) VCF-style: chr12-133244123-C-T.
Other names: c.2285G>A (NM_006231.2); short protein forms R762Q.
Identifiers: ClinVar variation 473518 (VCV000473518.10), dbSNP rs1023692053, ClinGen allele CA246287889.

ClinVar aggregate classification (germline): Uncertain significance. Review status: criteria provided, multiple submitters, no conflicts (2 of 4 stars). 2 submissions from 2 submitters: Uncertain significance (2). Last evaluated 2026-01-07.

Conditions:
Hereditary cancer-predisposing syndrome. Also called: Neoplastic Syndromes, Hereditary; Tumor predisposition; Hereditary Cancer Syndrome; Hereditary neoplastic syndrome. Identifiers: Orphanet 140162, MedGen C0027672, MeSH D009386, MONDO:0015356.

Allele frequency attached by ClinVar (database versions not stated): gnomAD exomes below 0.00001 and 0.00001; gnomAD 0.00001; TOPMed 0.00001.

Submissions (2):

Labcorp Genetics (formerly Invitae), Labcorp
Classification: Uncertain significance. Last evaluated: 2026-01-07. Review status: criteria provided, single submitter. Criteria: Invitae Variant Classification Sherloc (09022015). Collection method: clinical testing. Allele origin: germline.
Comment: This sequence change replaces arginine, which is basic and polar, with glutamine, which is neutral and polar, at codon 762 of the POLE protein (p.Arg762Gln). This variant is present in population databases (no rsID available, gnomAD 0.0009%). This variant has not been reported in the literature in individuals affected with POLE-related conditions. ClinVar contains an entry for this variant (Variation ID: 473518). Invitae Evidence Modeling of protein sequence and biophysical properties (such as structural, functional, and spatial information, amino acid conservation, physicochemical variation, residue mobility, and thermodynamic stability) indicates that this missense variant is expected to disrupt POLE protein function with a positive predictive value of 80%. RNA analysis performed to evaluate the impact of this missense change on mRNA splicing indicates it does not significantly alter splicing (internal data). In summary, the available evidence is currently insufficient to determine the role of this variant in disease. Therefore, it has been classified as a Variant of Uncertain Significance.

Ambry Genetics
Classification: Uncertain significance for Hereditary cancer-predisposing syndrome. Last evaluated: 2025-02-25. Review status: criteria provided, single submitter. Criteria: Ambry Variant Classification Scheme 2023. Collection method: clinical testing. Allele origin: germline.
Comment: The p.R762Q variant (also known as c.2285G>A), located in coding exon 20 of the POLE gene, results from a G to A substitution at nucleotide position 2285. The arginine at codon 762 is replaced by glutamine, an amino acid with highly similar properties. This amino acid position is highly conserved in available vertebrate species. In addition, the in silico prediction for this alteration is inconclusive. Based on the available evidence, the clinical significance of this variant remains unclear.